The following is an entry in ClinVar:

ClinVar aggregate classification (germline): Pathogenic. Review status: criteria provided, multiple submitters, no conflicts (2 of 4 stars). 7 submissions from 7 submitters: Pathogenic (6). 1 of the submissions does not count toward it. Last evaluated 2025-07-01.

Conditions:
Renpenning syndrome. Also called: GOLABI-ITO-HALL SYNDROME; MENTAL RETARDATION, X-LINKED 55; MENTAL RETARDATION, X-LINKED, SYNDROMIC 8; SUTHERLAND-HAAN X-LINKED MENTAL RETARDATION SYNDROME; Mental retardation, X-linked Renpenning type; X-linked mental retardation with spastic diplegia. Identifiers: Orphanet 3242, MedGen C0796135, MONDO:0010653, OMIM 309500.

Submissions (7):

Laboratorio de Genetica e Diagnostico Molecular, Hospital Israelita Albert Einstein
Classification: Pathogenic for Renpenning syndrome. Last evaluated: 2025-07-01. Review status: criteria provided, single submitter. Criteria: ACMG Guidelines, 2015. Collection method: clinical testing. Allele origin: germline. Affected: yes.
Comment: ACMG classification criteria: PVS1 strong, PS3 supporting, PS4 supporting, PM2 supporting, PP1 strong

Revvity Omics, Revvity
Classification: Pathogenic for Renpenning syndrome. Last evaluated: 2024-10-17. Review status: criteria provided, single submitter. Criteria: ACMG Guidelines, 2015. Collection method: clinical testing. Allele origin: germline.

GeneDx
Classification: Pathogenic. Last evaluated: 2024-08-29. Review status: criteria provided, single submitter. Criteria: GeneDx Variant Classification Process June 2021. Collection method: clinical testing. Allele origin: germline. Affected: yes.
Comment: Published functional studies demonstrate a damaging effect: loss of the YxxPxxVL motif that is essential for binding with the spliceosomal protein U5-15kD (PMID: 24781215); Frameshift variant predicted to result in protein truncation, as the last 52 amino acids are replaced with 12 different amino acids, and other loss-of-function variants have been reported downstream in the Human Gene Mutation Database (HGMD); Not observed at significant frequency in large population cohorts (gnomAD); Also known as c.641insC; This variant is associated with the following publications: (PMID: 9545405, 26633545, 24781215, 27535533, 15024694, 24077912)

CeGaT Center for Human Genetics Tuebingen
Classification: Pathogenic. Last evaluated: 2021-06-01. Review status: criteria provided, single submitter. Criteria: CeGaT Center For Human Genetics Tuebingen Variant Classification Criteria Version 2. Collection method: clinical testing. Allele origin: germline. Affected: yes. Observed: 3 variant alleles.

Baylor Genetics
Classification: Pathogenic for Renpenning syndrome 1. Last evaluated: 2013-02-05. Review status: criteria provided, single submitter. Criteria: Yang et al. 2013. Collection method: clinical testing. Allele origin: maternal. Inheritance: X-linked inheritance. Affected: yes. Observed: 1 variant allele, 1 hemizygote. Study: Adult_WES.

Greenwood Genetic Center Diagnostic Laboratories, Greenwood Genetic Center
Classification: Pathogenic for Renpenning syndrome. Review status: criteria provided, single submitter. Criteria: ACMG Guidelines, 2015. Collection method: research. Allele origin: germline. Affected: yes.

OMIM
Classification: Pathogenic for RENPENNING SYNDROME. Last evaluated: 2004-04-01. Review status: no assertion criteria provided. Collection method: literature only. Allele origin: germline. Not counted in ClinVar's aggregate classification.

Literature cited by the submitters: PubMed 26633545 (cited by Baylor Genetics); PubMed 15024694 (cited by Baylor Genetics and OMIM); PubMed 9545405 (cited by Baylor Genetics and OMIM); PubMed 13981686 (cited by OMIM).

NM_001032382.2(PQBP1):c.640dup (p.Arg214fs)

Gene: PQBP1 (polyglutamine binding protein 1; plus strand). Cytogenetic location: Xp11.23.
Variant type: Duplication.
Coding change: c.640dup on transcript NM_001032382.2 (MANE Select); coding-DNA position 640, one base duplicated (C; older notation c.640dupC).
Protein change: p.Arg214fs; shifts the reading frame from arginine 214.
Molecular consequence: frameshift variant.
Genome position (GRCh38, 1-based): chrX:48,902,794, C duplicated; the last of 6 consecutive C bases (chrX:48,902,789-48,902,794); duplicating any one gives the same sequence. VCF-style (leftmost placement, unchanged base first): chrX-48902788-G-GC. GRCh37 (hg19) VCF-style: chrX-48760065-G-GC.
Other names: c.640dup, p.Arg214fs (NM_001032381.2, NM_001032383.2, NM_001032384.1 and 1 more transcripts); c.637dup, p.Arg213fs (NM_001167989.2); c.616dup, p.Arg206fs (NM_001167990.2); c.340dup, p.Arg114fs (NM_001167992.1); c.355dup, p.Arg119fs (NM_144495.3); c.640dupC (NM_005710.2); short protein forms R114fs, R119fs, R206fs, R214fs, R213fs.
Identifiers: ClinVar variation 10982 (VCV000010982.48), dbSNP rs606231196, ClinGen allele CA250048.